The following is an entry in ClinVar:

ClinVar aggregate classification (germline): Uncertain significance (1 of 4 stars; one submission).

Conditions:
Hereditary cancer-predisposing syndrome. Also called: Neoplastic Syndromes, Hereditary; Tumor predisposition; Hereditary Cancer Syndrome; Hereditary neoplastic syndrome. Identifiers: Orphanet 140162, MedGen C0027672, MeSH D009386, MONDO:0015356.

Submission:

Ambry Genetics
Classification: Uncertain significance for Hereditary cancer-predisposing syndrome. Last evaluated: 2022-06-23. Review status: criteria provided, single submitter. Criteria: Ambry Variant Classification Scheme 2023. Collection method: clinical testing. Allele origin: germline.
Comment: The c.633-3T>G intronic variant results from a T to G substitution 3 nucleotides upstream from coding exon 5 in the CDK4 gene. This nucleotide position is well conserved in available vertebrate species. In silico splice site analysis predicts that this alteration may weaken the native splice acceptor site. Since supporting evidence is limited at this time, the clinical significance of this alteration remains unclear.

NM_000075.4(CDK4):c.633-3T>G

Genes: TSPAN31 (tetraspanin 31; plus strand), CDK4 (cyclin dependent kinase 4; minus strand). Cytogenetic location: 12q14.1.
Variant type: single nucleotide variant.
Coding change: c.633-3T>G on transcript NM_000075.4 (MANE Select); 3 bases into the intron before coding-DNA position 633, T replaced by G.
Molecular consequence: intron variant. On other transcripts: 3 prime UTR variant (3).
Genome position (GRCh38, 1-based): chr12:57,749,507, A>C on the plus strand (T>G on the coding strand, the complement: CDK4 is on the minus strand). VCF-style: chr12-57749507-A-C. GRCh37 (hg19) VCF-style: chr12-58143290-A-C.
Other names: c.*2217A>C (NM_001330168.2, NM_001330169.2, NM_005981.5).
Identifiers: ClinVar variation 1752915 (VCV001752915.2), dbSNP rs1565805871, ClinGen allele CA2580086613.